The following is an entry in ClinVar:

ClinVar aggregate classification (germline): Uncertain significance. Review status: criteria provided, multiple submitters, no conflicts (2 of 4 stars). 2 submissions from 2 submitters: Uncertain significance (2). Last evaluated 2023-11-10.

Allele frequency attached by ClinVar (database versions not stated): ESP Exome Variant Server 0.00015; gnomAD exomes 0.00024 and 0.00037; TOPMed 0.00030; gnomAD 0.00034 and 0.00036; ExAC 0.00038; 1000 Genomes Project 0.00060; 1000 Genomes Project 30x 0.00062.
gnomAD v4.1: 410 of 1,613,760 alleles (0.025%); highest among the groups gnomAD compares: Middle Eastern, 0.13%; 2 homozygotes.

Submissions (2):

Labcorp Genetics (formerly Invitae), Labcorp
Classification: Uncertain significance. Last evaluated: 2023-11-10. Review status: criteria provided, single submitter. Criteria: Invitae Variant Classification Sherloc (09022015). Collection method: clinical testing. Allele origin: germline.
Comment: This sequence change replaces histidine, which is basic and polar, with arginine, which is basic and polar, at codon 46 of the BCAT2 protein (p.His46Arg). This variant is present in population databases (rs201148940, gnomAD 0.08%). This variant has not been reported in the literature in individuals affected with BCAT2-related conditions. ClinVar contains an entry for this variant (Variation ID: 1525411). Algorithms developed to predict the effect of missense changes on protein structure and function output the following: SIFT: "Not Available"; PolyPhen-2: "Benign"; Align-GVGD: "Not Available". The arginine amino acid residue is found in multiple mammalian species, which suggests that this missense change does not adversely affect protein function. In summary, the available evidence is currently insufficient to determine the role of this variant in disease. Therefore, it has been classified as a Variant of Uncertain Significance.

Breakthrough Genomics
Classification: Uncertain significance. Review status: criteria provided, single submitter. Criteria: ACMG Guidelines, 2015. Collection method: not provided. Allele origin: germline. Inheritance: Autosomal dominant inheritance. Affected: yes.

NM_001190.4(BCAT2):c.137A>G (p.His46Arg)

Gene: BCAT2 (branched chain amino acid transaminase 2; minus strand). Cytogenetic location: 19q13.33.
Variant type: single nucleotide variant.
Coding change: c.137A>G on transcript NM_001190.4 (MANE Select); coding-DNA position 137, A replaced by G.
Protein change: p.His46Arg; replaces histidine 46 with arginine.
Molecular consequence: missense variant. On other transcripts: intron variant (1).
Genome position (GRCh38, 1-based): chr19:48,806,680, T>C on the plus strand (A>G on the coding strand, the complement: BCAT2 is on the minus strand). VCF-style: chr19-48806680-T-C. GRCh37 (hg19) VCF-style: chr19-49309937-T-C.
Other names: c.17A>G, p.His6Arg (NM_001284325.2); c.24+4304A>G (NM_001164773.2); short protein forms H46R, H6R.
Identifiers: ClinVar variation 1525411 (VCV001525411.5), dbSNP rs201148940, ClinGen allele CA9558516.